The following is an entry in ClinVar:

NM_007317.3(KIF22):c.1370G>A (p.Gly457Glu)

Gene: KIF22 (kinesin family member 22; plus strand). Cytogenetic location: 16p11.2.
Variant type: single nucleotide variant.
Coding change: c.1370G>A on transcript NM_007317.3 (MANE Select); coding-DNA position 1370, G replaced by A.
Protein change: p.Gly457Glu; replaces glycine 457 with glutamic acid.
Molecular consequence: missense variant.
Genome position (GRCh38, 1-based): chr16:29,802,858, G>A. VCF-style: chr16-29802858-G-A. GRCh37 (hg19) VCF-style: chr16-29814179-G-A.
Other names: c.1166G>A, p.Gly389Glu (NM_001256269.2, NM_001256270.1); short protein forms G389E, G457E.
Identifiers: ClinVar variation 4744710 (VCV004744710.1).

ClinVar aggregate classification (germline): Uncertain significance (1 of 4 stars; one submission).

Submission:

Labcorp Genetics (formerly Invitae), Labcorp
Classification: Uncertain significance. Last evaluated: 2025-08-29. Review status: criteria provided, single submitter. Criteria: Invitae Variant Classification Sherloc (09022015). Collection method: clinical testing. Allele origin: germline.
Comment: This sequence change replaces glycine, which is neutral and non-polar, with glutamic acid, which is acidic and polar, at codon 457 of the KIF22 protein (p.Gly457Glu). This variant is present in population databases (no rsID available, gnomAD 0.003%). This variant has not been reported in the literature in individuals affected with KIF22-related conditions. Invitae Evidence Modeling of protein sequence and biophysical properties (such as structural, functional, and spatial information, amino acid conservation, physicochemical variation, residue mobility, and thermodynamic stability) indicates that this missense variant is not expected to disrupt KIF22 protein function with a negative predictive value of 80%. In summary, the available evidence is currently insufficient to determine the role of this variant in disease. Therefore, it has been classified as a Variant of Uncertain Significance.